The following is an entry in ClinVar:

ClinVar aggregate classification (germline): Pathogenic (1 of 4 stars; one submission).

Conditions:
Meckel-Gruber syndrome. Also called: DYSENCEPHALIA SPLANCHNOCYSTICA; GRUBER SYNDROME; Dysencephalia splachnocystica. Identifiers: Orphanet 564, MedGen C0265215, MONDO:0018921.
Joubert syndrome. Also called: CEREBELLOPARENCHYMAL DISORDER IV; JOUBERT-BOLTSHAUSER SYNDROME; Familial aplasia of the vermis. Identifiers: Orphanet 475, MedGen C5979921, MONDO:0018772.

Submission:

Labcorp Genetics (formerly Invitae), Labcorp
Classification: Pathogenic for Joubert syndrome; Meckel-Gruber syndrome. Last evaluated: 2021-02-19. Review status: criteria provided, single submitter. Criteria: Invitae Variant Classification Sherloc (09022015). Collection method: clinical testing. Allele origin: germline.
Comment: For these reasons, this variant has been classified as Pathogenic. This variant has not been reported in the literature in individuals with MKS1-related conditions. This variant is a gross deletion of the genomic region encompassing exon(s) 2 of the MKS1 gene. This deletion is out-of-frame, and is expected to create a premature translational stop signal and result in an absent or disrupted protein product. Loss-of-function variants in MKS1 are known to be pathogenic (PMID: 19466712, 24886560, 26490104).

Literature cited by the submitters: PubMed 19466712; PubMed 24886560; PubMed 26490104.

NC_000017.10:g.(?_56295969)_(56296506_?)del

Gene: MKS1 (MKS transition zone complex subunit 1; minus strand). Cytogenetic location: 17q22.
Variant type: Deletion.
Identifiers: ClinVar variation 1456571 (VCV001456571.8).